The following is an entry in ClinVar:

ClinVar aggregate classification (germline): Conflicting classifications of pathogenicity. Review status: criteria provided, conflicting classifications (1 of 4 stars). 2 submissions from 2 submitters: Likely pathogenic (1); Uncertain significance (1). Last evaluated 2025-10-20.

Conditions:
EMC1-related disorder. Also called: EMC1-related condition.

Submissions (2):

Labcorp Genetics (formerly Invitae), Labcorp
Classification: Uncertain significance. Last evaluated: 2025-10-20. Review status: criteria provided, single submitter. Criteria: Invitae Variant Classification Sherloc (09022015). Collection method: clinical testing. Allele origin: germline.
Comment: This sequence change affects a splice site in intron 22 of the EMC1 gene. While this variant is not anticipated to result in nonsense mediated decay, it likely alters RNA splicing and results in a disrupted protein product. This variant is not present in population databases (gnomAD no frequency). This variant has not been reported in the literature in individuals affected with EMC1-related conditions. This variant is also known as c.2802delG (p.Val935Leufs*22). ClinVar contains an entry for this variant (Variation ID: 2131157). Variants that disrupt the consensus splice site are a relatively common cause of aberrant splicing (PMID: 17576681, 9536098). Algorithms developed to predict the effect of sequence changes on RNA splicing suggest that this variant may disrupt the consensus splice site. In summary, the available evidence is currently insufficient to determine the role of this variant in disease. Therefore, it has been classified as a Variant of Uncertain Significance.

Blueprint Genetics
Classification: Likely pathogenic for EMC1-related disorders. Last evaluated: 2022-08-31. Review status: criteria provided, single submitter. Criteria: ACMG Guidelines, 2015. Collection method: clinical testing. Allele origin: germline. Affected: yes. Observed: 1 variant allele.

Literature cited by the submitters: PubMed 17576681 (cited by Labcorp Genetics (formerly Invitae), Labcorp); PubMed 9536098 (cited by Labcorp Genetics (formerly Invitae), Labcorp).

NM_015047.3(EMC1):c.2802+1del

Genes: EMC1 (ER membrane protein complex subunit 1; minus strand), EMC1-AS1 (EMC1 antisense RNA 1; plus strand). Cytogenetic location: 1p36.13.
Variant type: Deletion.
Coding change: c.2802+1del on transcript NM_015047.3 (MANE Select); the canonical splice donor site of the intron after coding-DNA position 2802, one base deleted (G; older notation c.2802+1delG).
Molecular consequence: splice donor variant.
Genome position (GRCh38, 1-based): chr1:19,219,568, C deleted on the plus strand (G on the coding strand, the reverse complement: EMC1 is on the minus strand); the first of 2 consecutive C bases (chr1:19,219,568-19,219,569); deleting either gives the same sequence. VCF-style (leftmost placement, unchanged base first): chr1-19219567-AC-A. GRCh37 (hg19) VCF-style: chr1-19546061-AC-A.
Other names: c.2736+1del (NM_001271429.2); c.2799+1del (NM_001271427.2, NM_001271428.2); c.2808+1del (NM_001375821.1); c.2811+1del (NM_001375820.1).
Identifiers: ClinVar variation 2131157 (VCV002131157.5), dbSNP rs2093415655, ClinGen allele CA999258906.